The following is an entry in ClinVar:

ClinVar aggregate classification (germline): Conflicting classifications of pathogenicity. Review status: criteria provided, conflicting classifications (1 of 4 stars). 2 submissions from 2 submitters: Uncertain significance (1); Likely benign (1). Last evaluated 2024-05-15.

Conditions:
Hereditary nonpolyposis colorectal neoplasms. Identifiers: MedGen C0009405, MeSH D003123.
Hereditary cancer-predisposing syndrome. Also called: Hereditary Cancer Syndrome; Hereditary neoplastic syndrome; Tumor predisposition; Neoplastic Syndromes, Hereditary. Identifiers: Orphanet 140162, MedGen C0027672, MeSH D009386, MONDO:0015356.

Allele frequency attached by ClinVar (database versions not stated): ExAC 0.00002.
gnomAD v4.1: 1 of 1,610,570 alleles (0.000062%); no homozygotes.

Submissions (2):

Labcorp Genetics (formerly Invitae), Labcorp
Classification: Likely benign for Hereditary nonpolyposis colorectal neoplasms. Last evaluated: 2024-05-15. Review status: criteria provided, single submitter. Criteria: Invitae Variant Classification Sherloc (09022015). Collection method: clinical testing. Allele origin: germline.

Ambry Genetics
Classification: Uncertain significance for Hereditary cancer-predisposing syndrome. Last evaluated: 2021-06-24. Review status: criteria provided, single submitter. Criteria: Ambry Variant Classification Scheme 2023. Collection method: clinical testing. Allele origin: germline.
Comment: The c.24-4C>T intronic variant results from a C to T substitution 4 nucleotides upstream from coding exon 2 in the PMS2 gene. This nucleotide position is poorly conserved in available vertebrate species. In silico splice site analysis predicts that this alteration will not have any significant effect on splicing. Since supporting evidence is limited at this time, the clinical significance of this alteration remains unclear.

NM_000535.7(PMS2):c.24-4C>T

Gene: PMS2 (PMS1 homolog 2, mismatch repair system component; minus strand). Cytogenetic location: 7p22.1.
Variant type: single nucleotide variant.
Coding change: c.24-4C>T on transcript NM_000535.7 (MANE Select); 4 bases into the intron before coding-DNA position 24, C replaced by T.
Molecular consequence: intron variant.
Genome position (GRCh38, 1-based): chr7:6,006,035, G>A on the plus strand (C>T on the coding strand, the complement: PMS2 is on the minus strand). VCF-style: chr7-6006035-G-A. GRCh37 (hg19) VCF-style: chr7-6045666-G-A.
Other names: c.-52-1977C>T (NM_001322008.2); c.-242-1977C>T (NM_001322010.2, NM_001322004.2); c.-377-9C>T (NM_001322013.2, NM_001322003.2, NM_001322009.2); c.-856-9C>T (NM_001322012.2); c.-456-9C>T (NM_001322015.2); c.-192-4C>T (NM_001322007.2); c.-861-4C>T (NM_001322011.2); c.24-4C>T (NM_001322006.2, NM_001322014.2); and 1 more.
Identifiers: ClinVar variation 1791463 (VCV001791463.5), dbSNP rs2345056, ClinGen allele CA048328.